The following is an entry in ClinVar:

NM_001145715.3(KPNA7):c.1010_1011insT (p.Lys338fs)

Gene: KPNA7 (karyopherin subunit alpha 7; minus strand). Cytogenetic location: 7q22.1.
Variant type: Insertion.
Coding change: c.1010_1011insT on transcript NM_001145715.3 (MANE Select); coding-DNA positions 1010 to 1011, T inserted.
Protein change: p.Lys338fs; shifts the reading frame from lysine 338.
Molecular consequence: frameshift variant.
Genome position: GRCh38 VCF-style: chr7-99185052-G-GA. GRCh37 (hg19) VCF-style: chr7-98782675-G-GA.
Other names: short protein forms K338fs.
Identifiers: ClinVar variation 2145053 (VCV002145053.1), dbSNP rs1347374329, ClinGen allele CA844460564.

ClinVar aggregate classification (germline): Uncertain significance (1 of 4 stars; one submission).

Allele frequency attached by ClinVar (database versions not stated): gnomAD 0.00003; TOPMed 0.00003.

Submission:

Labcorp Genetics (formerly Invitae), Labcorp
Classification: Uncertain significance. Last evaluated: 2022-07-04. Review status: criteria provided, single submitter. Criteria: Invitae Variant Classification Sherloc (09022015). Collection method: clinical testing. Allele origin: germline.
Comment: This sequence change creates a premature translational stop signal (p.Lys338Glnfs*45) in the KPNA7 gene. It is expected to result in an absent or disrupted protein product. However, the current clinical and genetic evidence is not sufficient to establish whether loss-of-function variants in KPNA7 cause disease. This variant is not present in population databases (gnomAD no frequency). This variant has not been reported in the literature in individuals affected with KPNA7-related conditions. Experimental studies and prediction algorithms are not available or were not evaluated, and the functional significance of this variant is currently unknown. In summary, the available evidence is currently insufficient to determine the role of this variant in disease. Therefore, it has been classified as a Variant of Uncertain Significance.